The following is an entry in ClinVar:

ClinVar aggregate classification (germline): Benign. Review status: criteria provided, multiple submitters, no conflicts (2 of 4 stars). 3 submissions from 3 submitters: Benign (3). Last evaluated 2026-01-24.

Conditions:
Junctional epidermolysis bullosa, non-Herlitz type. Also called: Epidermolysis bullosa, junctional, non-herlitz type, somatic mosaic revertant; EPIDERMOLYSIS BULLOSA, JUNCTIONAL 1A, INTERMEDIATE; EPIDERMOLYSIS BULLOSA JUNCTIONALIS, DISENTIS TYPE; EPIDERMOLYSIS BULLOSA JUNCTIONALIS, NON-HERLITZ TYPE; EPIDERMOLYSIS BULLOSA JUNCTIONALIS, PROGRESSIVE; EPIDERMOLYSIS BULLOSA JUNCTIONALIS, SEVERE NONLETHAL. Identifiers: Orphanet 251393, Orphanet 79402, Orphanet 79405, Orphanet 89840, MedGen C0268374, MONDO:0009180, OMIM 226650.

Allele frequency attached by ClinVar (database versions not stated): gnomAD 0.00031 and 0.00046; gnomAD exomes 0.00038 and 0.00100; TOPMed 0.00060; ExAC 0.00105; 1000 Genomes Project 30x 0.00203; 1000 Genomes Project 0.00240.
gnomAD v4.1: 625 of 1,614,022 alleles (0.039%); highest among the groups gnomAD compares: East Asian, 1.3%; 6 homozygotes.

Submissions (3):

Labcorp Genetics (formerly Invitae), Labcorp
Classification: Benign. Last evaluated: 2026-01-24. Review status: criteria provided, single submitter. Criteria: Invitae Variant Classification Sherloc (09022015). Collection method: clinical testing. Allele origin: germline.

Illumina Laboratory Services, Illumina
Classification: Benign for Junctional epidermolysis bullosa, non-Herlitz type. Last evaluated: 2018-01-12. Review status: criteria provided, single submitter. Criteria: ICSL Variant Classification Criteria 13 December 2019. Collection method: clinical testing. Allele origin: germline.
Comment: This variant was observed in the ICSL laboratory as part of a predisposition screen in an ostensibly healthy population. It had not been previously curated by ICSL or reported in the Human Gene Mutation Database (HGMD: prior to June 1st, 2018), and was therefore a candidate for classification through an automated scoring system. Utilizing variant allele frequency, disease prevalence and penetrance estimates, and inheritance mode, an automated score was calculated to assess if this variant is too frequent to cause the disease. Based on the score and internal cut-off values, a variant classified as benign is not then subjected to further curation. The score for this variant resulted in a classification of benign for this disease.

Breakthrough Genomics
Classification: Benign. Review status: criteria provided, single submitter. Criteria: ACMG Guidelines, 2015. Collection method: not provided. Allele origin: germline. Inheritance: Autosomal recessive inheritance. Affected: yes.

NM_000494.4(COL17A1):c.3085T>G (p.Ser1029Ala)

Gene: COL17A1 (collagen type XVII alpha 1 chain; minus strand). Cytogenetic location: 10q25.1.
Variant type: single nucleotide variant.
Coding change: c.3085T>G on transcript NM_000494.4 (MANE Select); coding-DNA position 3085, T replaced by G.
Protein change: p.Ser1029Ala; replaces serine 1029 with alanine.
Molecular consequence: missense variant.
Genome position (GRCh38, 1-based): chr10:104,037,759, A>C on the plus strand (T>G on the coding strand, the complement: COL17A1 is on the minus strand). VCF-style: chr10-104037759-A-C. GRCh37 (hg19) VCF-style: chr10-105797517-A-C.
Other names: short protein forms S1029A.
Identifiers: ClinVar variation 717936 (VCV000717936.12), dbSNP rs118166857, ClinGen allele CA5678095.